The following is an entry in ClinVar:

ClinVar aggregate classification (germline): Uncertain significance (1 of 4 stars; one submission).

Conditions:
Hypercholesterolemia, autosomal dominant, 3 (FHCL3). Also called: PCSK9-Related Familial Hypercholesterolemia, Autosomal Dominant; Familial Hypercholesterolemia, Autosomal Dominant, 3; Familial hypercholesterolemia 3. Identifiers: MedGen C1863551, MONDO:0011369, OMIM 603776.

Allele frequency attached by ClinVar (database versions not stated): gnomAD exomes below 0.00001.

Submission:

All of Us Research Program, National Institutes of Health
Classification: Uncertain significance for Hypercholesterolemia, autosomal dominant, 3. Last evaluated: 2023-04-10. Review status: criteria provided, single submitter. Criteria: ACMG Guidelines, 2015. Collection method: clinical testing. Allele origin: germline. Inheritance: Autosomal dominant inheritance. Observed: 1 variant allele, 1 heterozygote.
Comment: This missense variant replaces methionine with threonine at codon 500 of the PCSK9 protein. Computational prediction suggests that this variant may not impact protein structure and function (internally defined REVEL score threshold <= 0.5, PMID: 27666373). To our knowledge, functional studies have not been reported for this variant. This variant has not been reported in individuals affected with PCSK9-related disorders in the literature. This variant has not been identified in the general population by the Genome Aggregation Database (gnomAD). The available evidence is insufficient to determine the role of this variant in disease conclusively. Therefore, this variant is classified as a Variant of Uncertain Significance.

This study involves interpretation of variants in research participants for the purpose of population health screening. Participant phenotype was not available at the time of variant classification. Additional details can be found in publication PMID: 35346344, PMCID: PMC8962531

NM_174936.4(PCSK9):c.1499T>C (p.Met500Thr)

Gene: PCSK9 (proprotein convertase subtilisin/kexin type 9; plus strand). Cytogenetic location: 1p32.3.
Variant type: single nucleotide variant.
Coding change: c.1499T>C on transcript NM_174936.4 (MANE Select); coding-DNA position 1499, T replaced by C.
Protein change: p.Met500Thr; replaces methionine 500 with threonine.
Molecular consequence: missense variant. On other transcripts: non-coding transcript variant (8), intron variant (1).
Genome position (GRCh38, 1-based): chr1:55,058,643, T>C. VCF-style: chr1-55058643-T-C. GRCh37 (hg19) VCF-style: chr1-55524316-T-C.
Other names: c.1622T>C, p.Met541Thr (NM_001407240.1); c.1499T>C, p.Met500Thr (NM_001407241.1); c.1502T>C, p.Met501Thr (NM_001407242.1); c.1442T>C, p.Met481Thr (NM_001407243.1); c.1325T>C, p.Met442Thr (NM_001407244.1); c.1307T>C, p.Met436Thr (NM_001407245.1); c.1124T>C, p.Met375Thr (NM_001407246.1); c.1180+1129T>C (NM_001407247.1); short protein forms M375T, M436T, M442T, M481T, M500T, M501T, M541T.
Identifiers: ClinVar variation 3070388 (VCV003070388.1), dbSNP rs2523264038, ClinGen allele CA340479358.